The following is an entry in ClinVar:

NM_024426.6(WT1):c.23A>T (p.Asp8Val)

Genes: WT1 (WT1 transcription factor; minus strand), LOC107982234 (WT1/WT1-AS bi-directional promoter region; plus strand). Cytogenetic location: 11p13.
Variant type: single nucleotide variant.
Coding change: c.23A>T on transcript NM_024426.6 (MANE Select); coding-DNA position 23, A replaced by T.
Protein change: p.Asp8Val; replaces aspartic acid 8 with valine.
Molecular consequence: missense variant. On other transcripts: non-coding transcript variant (2).
Genome position (GRCh38, 1-based): chr11:32,435,338, T>A on the plus strand (A>T on the coding strand, the complement: WT1 is on the minus strand). VCF-style: chr11-32435338-T-A. GRCh37 (hg19) VCF-style: chr11-32456884-T-A.
Other names: c.23A>T, p.Asp8Val (NM_000378.6, NM_001407044.1, NM_001407045.1 and 6 more transcripts); c.8A>T, p.Asp3Val (NM_024425.2); short protein forms D8V, D3V.
Identifiers: ClinVar variation 2948393 (VCV002948393.3), dbSNP rs2494490396, ClinGen allele CA379966546.

ClinVar aggregate classification (germline): Uncertain significance (1 of 4 stars; one submission).

Conditions:
Drash syndrome (DDS). Also called: NEPHROPATHY, WILMS TUMOR, AND GENITAL ANOMALIES; WILMS TUMOR AND PSEUDO- OR TRUE HERMAPHRODITISM. Identifiers: Orphanet 220, MedGen C0950121, MONDO:0008682, OMIM 194080.
Wilms tumor 1 (WT1). Also called: Wilms tumor, somatic. Identifiers: Orphanet 654, MedGen CN033288, MONDO:0008679, OMIM 194070.
11p partial monosomy syndrome (WAGR). Also called: CHROMOSOME 11p13 DELETION SYNDROME; WAGR syndrome; WAGR Complex; WAGR Spectrum Disorder. Identifiers: Orphanet 893, MedGen C0206115, MONDO:0008681, OMIM 194072.
Frasier syndrome. Identifiers: Orphanet 347, MedGen C0950122, MeSH D052159, MONDO:0007635, OMIM 136680.

Submission:

Labcorp Genetics (formerly Invitae), Labcorp
Classification: Uncertain significance for Wilms tumor 1; Drash syndrome; 11p partial monosomy syndrome; Frasier syndrome. Last evaluated: 2023-05-31. Review status: criteria provided, single submitter. Criteria: Invitae Variant Classification Sherloc (09022015). Collection method: clinical testing. Allele origin: germline.
Comment: In summary, the available evidence is currently insufficient to determine the role of this variant in disease. Therefore, it has been classified as a Variant of Uncertain Significance. An algorithm developed to predict the effect of missense changes on protein structure and function (PolyPhen-2) suggests that this variant is likely to be tolerated. This variant has not been reported in the literature in individuals affected with WT1-related conditions. This variant is not present in population databases (gnomAD no frequency). This sequence change replaces aspartic acid, which is acidic and polar, with valine, which is neutral and non-polar, at codon 3 of the WT1 protein (p.Asp3Val).